The following is an entry in ClinVar:

ClinVar aggregate classification (germline): Pathogenic (1 of 4 stars; one submission).

Conditions:
Ehlers-Danlos syndrome, classic type, 1 (EDSCL1). Also called: Ehlers-Danlos syndrome, type 1; EHLERS-DANLOS SYNDROME, GRAVIS TYPE; EHLERS-DANLOS SYNDROME, SEVERE CLASSIC TYPE; EDS I; Ehlers-Danlos Syndrome, Classic Type, COL5A1-Related. Identifiers: MedGen C0268335, MONDO:0019567, OMIM 130000.

Submission:

Labcorp Genetics (formerly Invitae), Labcorp
Classification: Pathogenic for Ehlers-Danlos syndrome, classic type, 1. Last evaluated: 2022-06-03. Review status: criteria provided, single submitter. Criteria: Invitae Variant Classification Sherloc (09022015). Collection method: clinical testing. Allele origin: germline.
Comment: ClinVar contains an entry for this variant (Variation ID: 964823). For these reasons, this variant has been classified as Pathogenic. This variant has not been reported in the literature in individuals affected with COL5A1-related conditions. This variant is not present in population databases (gnomAD no frequency). This sequence change creates a premature translational stop signal (p.Ser254*) in the COL5A1 gene. It is expected to result in an absent or disrupted protein product. Loss-of-function variants in COL5A1 are known to be pathogenic (PMID: 23587214).

Literature cited by the submitters: PubMed 23587214.

NM_000093.5(COL5A1):c.761C>A (p.Ser254Ter)

Gene: COL5A1 (collagen type V alpha 1 chain; plus strand). Cytogenetic location: 9q34.3.
Variant type: single nucleotide variant.
Coding change: c.761C>A on transcript NM_000093.5 (MANE Select); coding-DNA position 761, C replaced by A.
Protein change: p.Ser254Ter; replaces serine 254 with a stop codon.
Molecular consequence: nonsense.
Genome position (GRCh38, 1-based): chr9:134,727,372, C>A. VCF-style: chr9-134727372-C-A. GRCh37 (hg19) VCF-style: chr9-137619218-C-A.
Other names: c.761C>A, p.Ser254Ter (NM_001278074.1); short protein forms S254*.
Identifiers: ClinVar variation 964823 (VCV000964823.8), dbSNP rs144844792, ClinGen allele CA375446501.